The following is an entry in ClinVar:

NM_198428.3(BBS9):c.2049A>T (p.Arg683Ser)

Gene: BBS9 (Bardet-Biedl syndrome 9; plus strand). Cytogenetic location: 7p14.3.
Variant type: single nucleotide variant.
Coding change: c.2049A>T on transcript NM_198428.3 (MANE Select); coding-DNA position 2049, A replaced by T.
Protein change: p.Arg683Ser; replaces arginine 683 with serine.
Molecular consequence: missense variant. On other transcripts: non-coding transcript variant (3).
Genome position (GRCh38, 1-based): chr7:33,388,078, A>T. VCF-style: chr7-33388078-A-T. GRCh37 (hg19) VCF-style: chr7-33427690-A-T.
Other names: c.1944A>T, p.Arg648Ser (NM_001033604.2); c.2034A>T, p.Arg678Ser (NM_001033605.2); c.2049A>T, p.Arg683Ser (NM_001348036.1, NM_001348041.4, NM_001348043.3 and 1 more transcripts); c.1683A>T, p.Arg561Ser (NM_001348037.3, NM_001348045.3, NM_001348046.3); c.1776A>T, p.Arg592Ser (NM_001348038.3); c.1671A>T, p.Arg557Ser (NM_001348039.3); c.1929A>T, p.Arg643Ser (NM_001348040.3, NM_014451.4); c.1914A>T, p.Arg638Ser (NM_001348042.3); and 1 more; short protein forms R557S, R648S, R526S, R678S, R683S, R638S, R561S, R592S.
Identifiers: ClinVar variation 4995404 (VCV004995404.1).
Genomic context (GRCh38, chr7:33,388,078, plus strand): 5'-AGAACTCTTATCTGAGAGAGCTGTACAATTTCGGGCCATTCAACGCCGGCTACTAGCAAG[A>T]TTCAAAGATAAAACTCCTGCCCCTCTTCAACACCTGGACACCTTGTTAGATGGAACCTAC-3'
Protein context (NP_940820.1, residues 673-693): FRAIQRRLLA[Arg683Ser]FKDKTPAPLQ

ClinVar aggregate classification (germline): Uncertain significance (1 of 4 stars; one submission).

Conditions:
BBS9-related disorder. Also called: BBS9-related condition.

gnomAD v4.1: 1 of 1,614,172 alleles (0.000062%); highest among the groups gnomAD compares: Non-Finnish European, 0.000085%; no homozygotes.

Submission:

PreventionGenetics, part of Exact Sciences
Classification: Uncertain significance for BBS9-related condition. Last evaluated: 2026-05-26. Review status: criteria provided, single submitter. Criteria: ACMG Guidelines, 2015. Collection method: clinical testing. Allele origin: germline.
Comment: The BBS9 c.2049A>T variant is predicted to result in the amino acid substitution p.Arg683Ser. To our knowledge, this variant has not been reported in the literature or in a large population database (gnomAD), indicating this variant is rare. At this time, the clinical significance of this variant is uncertain due to the absence of conclusive functional and genetic evidence.